The following is an entry in ClinVar:

ClinVar aggregate classification (germline): Uncertain significance (1 of 4 stars; one submission).

Allele frequency attached by ClinVar (database versions not stated): gnomAD exomes below 0.00001; ExAC 0.00001.
gnomAD v4.1: 4 of 1,613,944 alleles (0.00025%); highest among the groups gnomAD compares: East Asian, 0.0022%; no homozygotes.

Submission:

Labcorp Genetics (formerly Invitae), Labcorp
Classification: Uncertain significance. Last evaluated: 2024-04-03. Review status: criteria provided, single submitter. Criteria: Invitae Variant Classification Sherloc (09022015). Collection method: clinical testing. Allele origin: germline.
Comment: This sequence change replaces glutamic acid, which is acidic and polar, with lysine, which is basic and polar, at codon 309 of the RIMS1 protein (p.Glu309Lys). This variant is present in population databases (rs750751911, gnomAD 0.003%). This variant has not been reported in the literature in individuals affected with RIMS1-related conditions. ClinVar contains an entry for this variant (Variation ID: 2107770). An algorithm developed to predict the effect of missense changes on protein structure and function (PolyPhen-2) suggests that this variant is likely to be tolerated. In summary, the available evidence is currently insufficient to determine the role of this variant in disease. Therefore, it has been classified as a Variant of Uncertain Significance.

NM_014989.7(RIMS1):c.925G>A (p.Glu309Lys)

Gene: RIMS1 (regulating synaptic membrane exocytosis 1; plus strand). Cytogenetic location: 6q13.
Variant type: single nucleotide variant.
Coding change: c.925G>A on transcript NM_014989.7 (MANE Select); coding-DNA position 925, G replaced by A.
Protein change: p.Glu309Lys; replaces glutamic acid 309 with lysine.
Molecular consequence: missense variant.
Genome position (GRCh38, 1-based): chr6:72,182,396, G>A. VCF-style: chr6-72182396-G-A. GRCh37 (hg19) VCF-style: chr6-72892099-G-A.
Other names: short protein forms E309K.
Identifiers: ClinVar variation 2107770 (VCV002107770.4), dbSNP rs750751911, ClinGen allele CA3885622.